The following is an entry in ClinVar:

NM_000431.4(MVK):c.22G>C (p.Val8Leu)

Gene: MVK (mevalonate kinase; plus strand). Cytogenetic location: 12q24.11.
Variant type: single nucleotide variant.
Coding change: c.22G>C on transcript NM_000431.4 (MANE Select); coding-DNA position 22, G replaced by C.
Protein change: p.Val8Leu; replaces valine 8 with leucine.
Molecular consequence: missense variant.
Genome position (GRCh38, 1-based): chr12:109,574,844, G>C. VCF-style: chr12-109574844-G-C. GRCh37 (hg19) VCF-style: chr12-110012649-G-C.
Other names: c.22G>C, p.Val8Leu (NM_001114185.3, NM_001301182.2); short protein forms V8L.
Identifiers: ClinVar variation 97577 (VCV000097577.1), dbSNP rs104895328, ClinGen allele CA149804.

ClinVar aggregate classification (germline): not provided (0 of 4 stars; one submission).

Conditions:
Hyperimmunoglobulin D with periodic fever (HIDS). Also called: HYPERIMMUNOGLOBULINEMIA D AND PERIODIC FEVER SYNDROME; Hyperimmunoglobulinemia D; Hyperimmunoglobulinemia D with periodic fever. Identifiers: Orphanet 343, MedGen C0398691, MONDO:0009849, OMIM 260920.

Submission:

Unité médicale des maladies autoinflammatoires, CHRU Montpellier
No classification provided. Condition: Hyperimmunoglobulin D with periodic fever. Review status: no classification provided. Collection method: not provided. Allele origin: unknown.
Comment: also involved in OMIM 25117